The following is an entry in ClinVar:

NM_003072.5(SMARCA4):c.4458C>T (p.Ile1486=)

Gene: SMARCA4 (SWI/SNF related BAF chromatin remodeling complex subunit ATPase 4; plus strand). Cytogenetic location: 19p13.2.
Variant type: single nucleotide variant.
Coding change: c.4458C>T on transcript NM_003072.5 (MANE Select); coding-DNA position 4458, C replaced by T.
Protein change: p.Ile1486=; no amino-acid change (isoleucine 1486 retained).
Molecular consequence: synonymous variant. On other transcripts: non-coding transcript variant (1).
Genome position (GRCh38, 1-based): chr19:11,058,288, C>T. VCF-style: chr19-11058288-C-T. GRCh37 (hg19) VCF-style: chr19-11168964-C-T.
Other names: c.4458C>T, p.Ile1486= (NM_001128844.3); c.4368C>T, p.Ile1456= (NM_001128845.2); c.4365C>T, p.Ile1455= (NM_001128846.2); c.4359C>T, p.Ile1453= (NM_001128847.4, NM_001374457.1); c.4356C>T, p.Ile1452= (NM_001128848.2); c.4554C>T, p.Ile1518= (NM_001128849.3).
Identifiers: ClinVar variation 706133 (VCV000706133.20), dbSNP rs550796495, ClinGen allele CA9204752.
Genomic context (GRCh38, chr19:11,058,288, plus strand): 5'-GTGATAGCCGCCGGTTCTGCCTTGCAGCAGCAGTGGACGTCAGCTCAGCGAGGTCTTCAT[C>T]CAGCTGCCCTCGCGAAAGGAGCTGCCCGAGTACTACGAGCTCATCCGCAAGCCCGTGGAC-3'
Protein context (NP_003063.2, residues 1476-1496): SSGRQLSEVF[Ile1486=]QLPSRKELPE

ClinVar aggregate classification (germline): Benign/Likely benign. Review status: criteria provided, multiple submitters, no conflicts (2 of 4 stars). 6 submissions from 6 submitters: Benign (3); Likely benign (2). 1 of the submissions does not count toward it. Last evaluated 2026-07-22.

Conditions:
SMARCA4-related disorder. Also called: SMARCA4-related condition.
Intellectual disability, autosomal dominant 16 (CSS4). Also called: COFFIN-SIRIS SYNDROME 4. Identifiers: Orphanet 1465, MedGen C3553249, MONDO:0013821, OMIM 614609.
Hereditary cancer-predisposing syndrome. Also called: Hereditary neoplastic syndrome; Neoplastic Syndromes, Hereditary; Tumor predisposition; Hereditary Cancer Syndrome. Identifiers: Orphanet 140162, MedGen C0027672, MeSH D009386, MONDO:0015356.
Rhabdoid tumor predisposition syndrome 2 (RTPS2). Identifiers: Orphanet 231108, Orphanet 69077, MedGen C2750074, MONDO:0013224, OMIM 613325.

Allele frequency attached by ClinVar (database versions not stated): gnomAD exomes 0.00022 and 0.00007; gnomAD 0.00005 and below 0.00001; ExAC 0.00025; 1000 Genomes Project 0.00100; TOPMed below 0.00001; 1000 Genomes Project 30x 0.00094.
gnomAD v4.1: 118 of 1,613,326 alleles (0.0073%); highest among the groups gnomAD compares: South Asian, 0.12%; 1 homozygote.

Submissions (6):

Myriad Genetics, Inc.
Classification: Benign for Rhabdoid tumor predisposition syndrome 2. Last evaluated: 2026-07-22. Review status: criteria provided, single submitter. Criteria: Myriad Autosomal Dominant, Autosomal Recessive and X-Linked Classification Criteria (2023). Collection method: clinical testing. Allele origin: unknown.
Comment: This variant is considered benign. This variant is a silent/synonymous amino acid change and it is not expected to impact splicing.

Labcorp Genetics (formerly Invitae), Labcorp
Classification: Benign for Rhabdoid tumor predisposition syndrome 2. Last evaluated: 2026-01-25. Review status: criteria provided, single submitter. Criteria: Invitae Variant Classification Sherloc (09022015). Collection method: clinical testing. Allele origin: germline.

Genome-Nilou Lab
Classification: Benign for Intellectual disability, autosomal dominant 16. Last evaluated: 2021-07-15. Review status: criteria provided, single submitter. Criteria: ACMG Guidelines, 2015. Collection method: clinical testing. Allele origin: germline. Affected: no.

Sema4
Classification: Likely benign for Hereditary cancer-predisposing syndrome. Last evaluated: 2020-09-16. Review status: criteria provided, single submitter. Criteria: Sema4 Curation Guidelines. Collection method: curation. Allele origin: germline.

Ambry Genetics
Classification: Likely benign for Hereditary cancer-predisposing syndrome. Last evaluated: 2015-08-31. Review status: criteria provided, single submitter. Criteria: Ambry Variant Classification Scheme 2023. Collection method: clinical testing. Allele origin: germline.

PreventionGenetics, part of Exact Sciences
Classification: Likely benign for SMARCA4-related condition. Last evaluated: 2024-08-23. Review status: no assertion criteria provided. Collection method: clinical testing. Allele origin: germline. Not counted in ClinVar's aggregate classification.
Comment: This variant is classified as likely benign based on ACMG/AMP sequence variant interpretation guidelines (Richards et al. 2015 PMID: 25741868, with internal and published modifications).